The following is an entry in ClinVar:

ClinVar aggregate classification (germline): Benign. Review status: criteria provided, multiple submitters, no conflicts (2 of 4 stars). 2 submissions from 2 submitters: Benign (2). Last evaluated 2018-01-13.

Conditions:
Hirschsprung disease, susceptibility to, 3. Identifiers: Orphanet 388, MedGen C3150974, MONDO:0013383, OMIM 613711.

Allele frequency attached by ClinVar (database versions not stated): gnomAD exomes 0.29365; TOPMed 0.36347; gnomAD 0.36360 and 0.36519; 1000 Genomes Project 0.40535; 1000 Genomes Project 30x 0.41177.
gnomAD v4.1: 55,173 of 152,152 alleles (36%); highest among the groups gnomAD compares: African/African-American, 55%; 11,190 homozygotes.

Submissions (2):

Illumina Laboratory Services, Illumina
Classification: Benign for Hirschsprung disease, susceptibility to, 3. Last evaluated: 2018-01-13. Review status: criteria provided, single submitter. Criteria: ICSL Variant Classification Criteria 13 December 2019. Collection method: clinical testing. Allele origin: germline.
Comment: This variant was observed in the ICSL laboratory as part of a predisposition screen in an ostensibly healthy population. It had not been previously curated by ICSL or reported in the Human Gene Mutation Database (HGMD: prior to June 1st, 2018), and was therefore a candidate for classification through an automated scoring system. Utilizing variant allele frequency, disease prevalence and penetrance estimates, and inheritance mode, an automated score was calculated to assess if this variant is too frequent to cause the disease. Based on the score and internal cut-off values, a variant classified as benign is not then subjected to further curation. The score for this variant resulted in a classification of benign for this disease.

Breakthrough Genomics
Classification: Benign. Review status: criteria provided, single submitter. Criteria: ACMG Guidelines, 2015. Collection method: not provided. Allele origin: germline. Inheritance: Autosomal dominant inheritance. Affected: yes.

NM_000514.4(GDNF):c.-51A>G

Gene: GDNF (glial cell derived neurotrophic factor; minus strand). Cytogenetic location: 5p13.2.
Variant type: single nucleotide variant.
Coding change: c.-51A>G on transcript NM_000514.4 (MANE Select); 51 bases upstream of the start codon, A replaced by G.
Molecular consequence: 5 prime UTR variant.
Genome position (GRCh38, 1-based): chr5:37,839,531, T>C on the plus strand (A>G on the coding strand, the complement: GDNF is on the minus strand). VCF-style: chr5-37839531-T-C. GRCh37 (hg19) VCF-style: chr5-37839633-T-C.
Identifiers: ClinVar variation 353520 (VCV000353520.6), dbSNP rs2973033, ClinGen allele CA10624743.